The following is an entry in ClinVar:

NM_181486.4(TBX5):c.1523T>C (p.Val508Ala)

Gene: TBX5 (T-box transcription factor 5; minus strand). Cytogenetic location: 12q24.21.
Variant type: single nucleotide variant.
Coding change: c.1523T>C on transcript NM_181486.4 (MANE Select); coding-DNA position 1523, T replaced by C.
Protein change: p.Val508Ala; replaces valine 508 with alanine.
Molecular consequence: missense variant.
Genome position (GRCh38, 1-based): chr12:114,355,566, A>G on the plus strand (T>C on the coding strand, the complement: TBX5 is on the minus strand). VCF-style: chr12-114355566-A-G. GRCh37 (hg19) VCF-style: chr12-114793371-A-G.
Other names: c.1523T>C, p.Val508Ala (NM_000192.3); c.1373T>C, p.Val458Ala (NM_080717.4); short protein forms V458A, V508A.
Identifiers: ClinVar variation 2625377 (VCV002625377.2), dbSNP rs147339942, ClinGen allele CA6809321.

ClinVar aggregate classification (germline): Uncertain significance (1 of 4 stars; one submission).

Conditions:
Cardiovascular phenotype. Identifiers: MedGen CN230736.

Allele frequency attached by ClinVar (database versions not stated): ExAC 0.00001; gnomAD exomes 0.00001; gnomAD 0.00002; TOPMed 0.00002; ESP Exome Variant Server 0.00008.
gnomAD v4.1: 8 of 1,613,952 alleles (0.0005%); highest among the groups gnomAD compares: African/African-American, 0.0013%; no homozygotes.

Submission:

Ambry Genetics
Classification: Uncertain significance for Cardiovascular phenotype. Last evaluated: 2023-09-06. Review status: criteria provided, single submitter. Criteria: Ambry Variant Classification Scheme 2023. Collection method: clinical testing. Allele origin: germline.
Comment: The p.V508A variant (also known as c.1523T>C), located in coding exon 8 of the TBX5 gene, results from a T to C substitution at nucleotide position 1523. The valine at codon 508 is replaced by alanine, an amino acid with similar properties. This amino acid position is conserved. In addition, the in silico prediction for this alteration is inconclusive. Since supporting evidence is limited at this time, the clinical significance of this alteration remains unclear.